The following is an entry in ClinVar:

NM_004415.4(DSP):c.6319G>C (p.Val2107Leu)

Gene: DSP (desmoplakin; plus strand). Cytogenetic location: 6p24.3.
Variant type: single nucleotide variant.
Coding change: c.6319G>C on transcript NM_004415.4 (MANE Select); coding-DNA position 6319, G replaced by C.
Protein change: p.Val2107Leu; replaces valine 2107 with leucine.
Molecular consequence: missense variant.
Genome position (GRCh38, 1-based): chr6:7,583,581, G>C. VCF-style: chr6-7583581-G-C. GRCh37 (hg19) VCF-style: chr6-7583814-G-C.
Other names: p.V2107L:GTT>CTT; p.Val2107Leu; c.6319G>C (LRG_423t1, NM_004415.3); c.4990G>C, p.Val1664Leu (NM_001319034.2); c.4522G>C, p.Val1508Leu (NM_001008844.3); short protein forms V2107L, V1508L, V1664L.
Identifiers: ClinVar variation 199939 (VCV000199939.22), dbSNP rs144263721, ClinGen allele CA006855.

ClinVar aggregate classification (germline): Likely benign. Review status: criteria provided, multiple submitters, no conflicts (2 of 4 stars). 8 submissions from 8 submitters: Likely benign (7). 1 of the submissions does not count toward it. Last evaluated 2025-12-24.

Conditions:
Cardiovascular phenotype. Identifiers: MedGen CN230736.
DSP-related disorder. Also called: DSP-related condition; DSP-related disorders.
Arrhythmogenic cardiomyopathy with wooly hair and keratoderma. Also called: Arrhythmogenic cardiomyopathy with woolly hair and keratoderma; Carvajal syndrome; Dilated cardiomyopathy with woolly hair and keratoderma; PALMOPLANTAR KERATODERMA WITH LEFT VENTRICULAR CARDIOMYOPATHY AND WOOLLY HAIR. Identifiers: Orphanet 65282, MedGen C1854063, MONDO:0011581, OMIM 605676.
Arrhythmogenic right ventricular dysplasia 8 (ARVD8). Also called: Arrhythmogenic Right Ventricular Dysplasia/Cardiomyopathy 8; ARRHYTHMOGENIC RIGHT VENTRICULAR DYSPLASIA, FAMILIAL, 8; ARRHYTHMOGENIC RIGHT VENTRICULAR CARDIOMYOPATHY 8. Identifiers: MedGen C1843896, MONDO:0011831, OMIM 607450.
Cardiomyopathy (CMYO). Also called: Cardiomyopathies. Identifiers: Orphanet 167848, MedGen C0878544, MONDO:0004994, HP:0001638. Inheritance: Various modes of inheritance.

Allele frequency attached by ClinVar (database versions not stated): gnomAD 0.00036 and 0.00035; TOPMed 0.00037; gnomAD exomes 0.00003 and 0.00009; ExAC 0.00010; 1000 Genomes Project 30x 0.00016; 1000 Genomes Project 0.00020; ESP Exome Variant Server 0.00031.
gnomAD v4.1: 94 of 1,614,188 alleles (0.0058%); highest among the groups gnomAD compares: African/African-American, 0.11%; no homozygotes.

Submissions (8):

Labcorp Genetics (formerly Invitae), Labcorp
Classification: Likely benign for Arrhythmogenic cardiomyopathy with wooly hair and keratoderma; Arrhythmogenic right ventricular dysplasia 8. Last evaluated: 2025-12-24. Review status: criteria provided, single submitter. Criteria: Invitae Variant Classification Sherloc (09022015). Collection method: clinical testing. Allele origin: germline.

Mayo Clinic Laboratories, Mayo Clinic
Classification: Likely benign. Last evaluated: 2024-10-22. Review status: criteria provided, single submitter. Criteria: ACMG Guidelines, 2015. Collection method: clinical testing. Allele origin: germline. Observed: 2 variant alleles.
Comment: BS1, BP4

ARUP Laboratories, Molecular Genetics and Genomics, ARUP Laboratories
Classification: Likely benign. Last evaluated: 2023-10-13. Review status: criteria provided, single submitter. Criteria: ARUP Molecular Germline Variant Investigation Process 2024. Collection method: clinical testing. Allele origin: germline.

CHEO Genetics Diagnostic Laboratory, Children's Hospital of Eastern Ontario
Classification: Likely benign for Cardiomyopathy. Last evaluated: 2022-12-30. Review status: criteria provided, single submitter. Criteria: ACMG Guidelines, 2015. Collection method: clinical testing. Allele origin: germline.

Ambry Genetics
Classification: Likely benign for Cardiovascular phenotype. Last evaluated: 2020-03-16. Review status: criteria provided, single submitter. Criteria: Ambry Variant Classification Scheme 2023. Collection method: clinical testing. Allele origin: germline.

GeneDx
Classification: Likely benign. Last evaluated: 2020-01-03. Review status: criteria provided, single submitter. Criteria: GeneDx Variant Classification Process June 2021. Collection method: clinical testing. Allele origin: germline. Affected: yes.
Comment: This variant is associated with the following publications: (PMID: 20716751)

Color Diagnostics, LLC DBA Color Health
Classification: Likely benign for Cardiomyopathy. Last evaluated: 2019-12-31. Review status: criteria provided, single submitter. Criteria: ACMG Guidelines, 2015. Collection method: clinical testing. Allele origin: germline.

PreventionGenetics, part of Exact Sciences
Classification: Likely benign for DSP-related condition. Last evaluated: 2024-05-10. Review status: no assertion criteria provided. Collection method: clinical testing. Allele origin: germline. Not counted in ClinVar's aggregate classification.
Comment: This variant is classified as likely benign based on ACMG/AMP sequence variant interpretation guidelines (Richards et al. 2015 PMID: 25741868, with internal and published modifications).

Literature cited by the submitters: PubMed 20716751 (cited by Mayo Clinic Laboratories, Mayo Clinic and Ambry Genetics); PubMed 32746448 (cited by Mayo Clinic Laboratories, Mayo Clinic).